The following is an entry in ClinVar:

NM_001349338.3(FOXP1):c.1549C>T (p.Leu517Phe)

Gene: FOXP1 (forkhead box P1; minus strand). Cytogenetic location: 3p13.
Variant type: single nucleotide variant.
Coding change: c.1549C>T on transcript NM_001349338.3 (MANE Select); coding-DNA position 1549, C replaced by T.
Protein change: p.Leu517Phe; replaces leucine 517 with phenylalanine.
Molecular consequence: missense variant. On other transcripts: non-coding transcript variant (2), intron variant (1).
Genome position (GRCh38, 1-based): chr3:70,972,658, G>A on the plus strand (C>T on the coding strand, the complement: FOXP1 is on the minus strand). VCF-style: chr3-70972658-G-A. GRCh37 (hg19) VCF-style: chr3-71021809-G-A.
Other names: c.1546C>T, p.Leu516Phe (NM_001244808.3, NM_001349341.3); c.1321C>T, p.Leu441Phe (NM_001244812.3); c.1249C>T, p.Leu417Phe (NM_001244813.3, NM_001244815.2, NM_001349342.3); c.1549C>T, p.Leu517Phe (NM_001244814.3, NM_001244816.2, NM_001349339.1 and 2 more transcripts); c.1246C>T, p.Leu416Phe (NM_001349337.2, NM_001349343.3, NM_001349344.3 and 1 more transcripts); c.1531-478C>T (NM_001244810.2); short protein forms L416F, L441F, L417F, L516F, L517F.
Identifiers: ClinVar variation 2231455 (VCV002231455.4), dbSNP rs2107201024, ClinGen allele CA353491819.

ClinVar aggregate classification (germline): Pathogenic. Review status: criteria provided, multiple submitters, no conflicts (2 of 4 stars). 2 submissions from 2 submitters: Pathogenic (2). Last evaluated 2026-07-24.

Conditions:
Inborn genetic diseases. Identifiers: MedGen C0950123, MeSH D030342.

Submissions (2):

GeneDx
Classification: Pathogenic. Last evaluated: 2026-07-24. Review status: criteria provided, single submitter. Criteria: GeneDx Variant Classification Process June 2021. Collection method: clinical testing. Allele origin: germline.
Comment: Reported previously as a de novo variant in a patient from a cohort of individuals with developmental disorder; detailed clinical information was not provided (PMID: 33057194); Not observed at significant frequency in large population cohorts (gnomAD); In silico analysis supports that this missense variant has a deleterious effect on protein structure/function; This variant is associated with the following publications: (PMID: 35982159, 33057194)

Ambry Genetics
Classification: Pathogenic for Inborn genetic diseases. Last evaluated: 2024-04-15. Review status: criteria provided, single submitter. Criteria: Ambry Variant Classification Scheme 2023. Collection method: clinical testing. Allele origin: germline.
Comment: The c.1549C>T (p.L517F) alteration is located in exon 18 (coding exon 13) of the FOXP1 gene. This alteration results from a C to T substitution at nucleotide position 1549, causing the leucine (L) at amino acid position 517 to be replaced by a phenylalanine (F). Based on data from the Genome Aggregation Database (gnomAD), the FOXP1 c.1549C>T alteration was not observed, with coverage at this position. This alteration was reported as a de novo occurrence in an individual with global developmental delay, autistic behavior, and abnormality of movement (DECIPHER). This amino acid position is highly conserved in available vertebrate species. This missense alteration is located in a region that has a low rate of benign missense variation (Lek, 2016; Firth, 2009). The p.L517F alteration is predicted to be deleterious by in silico analysis. Based on the available evidence, this alteration is classified as pathogenic.